The following is an entry in ClinVar:

ClinVar aggregate classification (germline): Pathogenic (3 of 4 stars; one submission).

Conditions:
Phenylketonuria (PKU). Also called: Phenylketonurias; FOLLING DISEASE; OLIGOPHRENIA PHENYLPYRUVICA; Phenylketonuria (PKU). Identifiers: Orphanet 716, MedGen C0031485, MONDO:0009861, OMIM 261600. Disease mechanism: loss of function.

Submission:

ClinGen PAH Variant Curation Expert Panel
Classification: Pathogenic for Phenylketonuria. Last evaluated: 2023-10-13. Review status: reviewed by expert panel. Criteria: ClinGen PAH ACMG Specifications v1. Collection method: curation. Allele origin: germline. Inheritance: Autosomal recessive inheritance.
Comment: The c.669del (p.Asn223LysfsTer118) variant in PAH is a frameshift variant predicted to cause a premature stop codon in exon 6 leading to nonsense mediated decay. It is absent in gnomAD. In summary, this variant meets criteria to be classified as pathogenic for PAH. PAH-specific ACMG/AMP criteria applied: PVS1, PP4_moderate, PM2_supporting, PM3.

NM_000277.3(PAH):c.669del (p.Asn223fs)

Gene: PAH (phenylalanine hydroxylase; minus strand). Cytogenetic location: 12q23.2.
Variant type: Deletion.
Coding change: c.669del on transcript NM_000277.3 (MANE Select); coding-DNA position 669, one base deleted (C; older notation c.669delC).
Protein change: p.Asn223fs; shifts the reading frame from asparagine 223.
Molecular consequence: frameshift variant.
Genome position (GRCh38, 1-based): chr12:102,855,173, G deleted on the plus strand (C on the coding strand, the reverse complement: PAH is on the minus strand). VCF-style (leftmost placement, unchanged base first): chr12-102855172-TG-T. GRCh37 (hg19) VCF-style: chr12-103248950-TG-T.
Other names: NM_001354304.2:c.669del; c.669del, p.Asn223fs (NM_001354304.2); short protein forms N223fs.
Identifiers: ClinVar variation 2682162 (VCV002682162.1), dbSNP rs2499625924, ClinGen allele CA16020835.